The following is an entry in ClinVar:

NM_001170629.2(CHD8):c.4867A>G (p.Thr1623Ala)

Gene: CHD8 (chromodomain helicase DNA binding protein 8; minus strand). Cytogenetic location: 14q11.2.
Variant type: single nucleotide variant.
Coding change: c.4867A>G on transcript NM_001170629.2 (MANE Select); coding-DNA position 4867, A replaced by G.
Protein change: p.Thr1623Ala; replaces threonine 1623 with alanine.
Molecular consequence: missense variant.
Genome position (GRCh38, 1-based): chr14:21,399,656, T>C on the plus strand (A>G on the coding strand, the complement: CHD8 is on the minus strand). VCF-style: chr14-21399656-T-C. GRCh37 (hg19) VCF-style: chr14-21867815-T-C.
Other names: c.4030A>G, p.Thr1344Ala (NM_020920.4); short protein forms T1344A, T1623A.
Identifiers: ClinVar variation 2446572 (VCV002446572.3), dbSNP rs753061978, ClinGen allele CA7091122.

ClinVar aggregate classification (germline): Conflicting classifications of pathogenicity. Review status: criteria provided, conflicting classifications (1 of 4 stars). 2 submissions from 2 submitters: Uncertain significance (1); Likely benign (1). Last evaluated 2025-07-18.

Allele frequency attached by ClinVar (database versions not stated): gnomAD exomes below 0.00001; ExAC 0.00002; gnomAD 0.00003.
gnomAD v4.1: 6 of 1,613,646 alleles (0.00037%); highest among the groups gnomAD compares: African/African-American, 0.008%; no homozygotes.

Submissions (2):

Labcorp Genetics (formerly Invitae), Labcorp
Classification: Likely benign. Last evaluated: 2025-07-18. Review status: criteria provided, single submitter. Criteria: Invitae Variant Classification Sherloc (09022015). Collection method: clinical testing. Allele origin: germline.

GeneDx
Classification: Uncertain significance. Last evaluated: 2022-09-28. Review status: criteria provided, single submitter. Criteria: GeneDx Variant Classification Process June 2021. Collection method: clinical testing. Allele origin: germline. Affected: yes.
Comment: In silico analysis supports that this missense variant does not alter protein structure/function; Has not been previously published as pathogenic or benign to our knowledge